The following is an entry in ClinVar:

ClinVar aggregate classification (germline): Uncertain significance (1 of 4 stars; one submission).

Conditions:
Primary ciliary dyskinesia. Also called: Ciliary dyskinesia. Identifiers: Orphanet 244, MedGen C0008780, MONDO:0016575, HP:0012265.

Allele frequency attached by ClinVar (database versions not stated): gnomAD below 0.00001 and 0.00004; gnomAD exomes 0.00001 and 0.00002; TOPMed 0.00001; ExAC 0.00002.
gnomAD v4.1: 19 of 1,608,192 alleles (0.0012%); highest among the groups gnomAD compares: South Asian, 0.021%; no homozygotes.

Submission:

Labcorp Genetics (formerly Invitae), Labcorp
Classification: Uncertain significance for Primary ciliary dyskinesia. Last evaluated: 2021-09-01. Review status: criteria provided, single submitter. Criteria: Invitae Variant Classification Sherloc (09022015). Collection method: clinical testing. Allele origin: germline.
Comment: This sequence change replaces glutamic acid with lysine at codon 45 of the CCDC103 protein (p.Glu45Lys). The glutamic acid residue is highly conserved and there is a small physicochemical difference between glutamic acid and lysine. This variant is present in population databases (rs748579846, ExAC 0.02%). This variant has not been reported in the literature in individuals affected with CCDC103-related conditions. Algorithms developed to predict the effect of missense changes on protein structure and function are either unavailable or do not agree on the potential impact of this missense change (SIFT: "Deleterious"; PolyPhen-2: "Probably Damaging"; Align-GVGD: "Class C0"). In summary, the available evidence is currently insufficient to determine the role of this variant in disease. Therefore, it has been classified as a Variant of Uncertain Significance.

NM_213607.3(DNAAF19):c.133G>A (p.Glu45Lys)

Gene: DNAAF19 (dynein axonemal assembly factor 19; plus strand). Cytogenetic location: 17q21.31.
Variant type: single nucleotide variant.
Coding change: c.133G>A on transcript NM_213607.3 (MANE Select); coding-DNA position 133, G replaced by A.
Protein change: p.Glu45Lys; replaces glutamic acid 45 with lysine.
Molecular consequence: missense variant.
Genome position (GRCh38, 1-based): chr17:44,901,131, G>A. VCF-style: chr17-44901131-G-A. GRCh37 (hg19) VCF-style: chr17-42978499-G-A.
Other names: c.133G>A, p.Glu45Lys (NM_001258395.2, NM_001258396.2, NM_001258397.3 and 2 more transcripts); short protein forms E45K.
Identifiers: ClinVar variation 656891 (VCV000656891.6), dbSNP rs748579846, ClinGen allele CA8608271.